The following is an entry in ClinVar:

NM_031433.4(MFRP):c.272-3C>T

Genes: C1QTNF5 (C1q and TNF related 5; minus strand), MFRP (membrane frizzled-related protein; minus strand). Cytogenetic location: 11q23.3.
Variant type: single nucleotide variant.
Coding change: c.272-3C>T on transcript NM_031433.4 (MANE Select); 3 bases into the intron before coding-DNA position 272, C replaced by T.
Molecular consequence: intron variant.
Genome position (GRCh38, 1-based): chr11:119,345,931, G>A on the plus strand (C>T on the coding strand, the complement: MFRP is on the minus strand). VCF-style: chr11-119345931-G-A. GRCh37 (hg19) VCF-style: chr11-119216641-G-A.
Other names: c.-2365-3C>T (NM_015645.5).
Identifiers: ClinVar variation 1956754 (VCV001956754.4), dbSNP rs1950561163, ClinGen allele CA942809386.

ClinVar aggregate classification (germline): Uncertain significance (1 of 4 stars; one submission).

Conditions:
Isolated microphthalmia 5. Also called: Posterior Microphthalmia with Retinitis Pigmentosa, Foveoschisis, and Optic Disc Drusen. Identifiers: Orphanet 251279, MedGen C1970236, MONDO:0012605, OMIM 611040.

Allele frequency attached by ClinVar (database versions not stated): gnomAD exomes below 0.00001; gnomAD 0.00001; TOPMed below 0.00001.
gnomAD v4.1: 2 of 1,613,720 alleles (0.00012%); highest among the groups gnomAD compares: Non-Finnish European, 0.00017%; no homozygotes.

Submission:

Labcorp Genetics (formerly Invitae), Labcorp
Classification: Uncertain significance for Isolated microphthalmia 5. Last evaluated: 2022-07-17. Review status: criteria provided, single submitter. Criteria: Invitae Variant Classification Sherloc (09022015). Collection method: clinical testing. Allele origin: germline.
Comment: This variant is not present in population databases (gnomAD no frequency). In summary, the available evidence is currently insufficient to determine the role of this variant in disease. Therefore, it has been classified as a Variant of Uncertain Significance. Variants that disrupt the consensus splice site are a relatively common cause of aberrant splicing (PMID: 17576681, 9536098). Algorithms developed to predict the effect of sequence changes on RNA splicing suggest that this variant is not likely to affect RNA splicing. This variant has not been reported in the literature in individuals affected with MFRP-related conditions. This sequence change falls in intron 3 of the MFRP gene. It does not directly change the encoded amino acid sequence of the MFRP protein. It affects a nucleotide within the consensus splice site.

Literature cited by the submitters: PubMed 17576681; PubMed 9536098.